The following is an entry in ClinVar:

NM_000059.4(BRCA2):c.2923A>T (p.Ile975Phe)

Gene: BRCA2 (BRCA2 DNA repair associated; plus strand). Cytogenetic location: 13q13.1.
Variant type: single nucleotide variant.
Coding change: c.2923A>T on transcript NM_000059.4 (MANE Select); coding-DNA position 2923, A replaced by T.
Protein change: p.Ile975Phe; replaces isoleucine 975 with phenylalanine.
Molecular consequence: missense variant.
Genome position (GRCh38, 1-based): chr13:32,337,278, A>T. VCF-style: chr13-32337278-A-T. GRCh37 (hg19) VCF-style: chr13-32911415-A-T.
Other names: short protein forms I975F.
Identifiers: ClinVar variation 462283 (VCV000462283.14), dbSNP rs757213764, ClinGen allele CA6940641.

ClinVar aggregate classification (germline): Conflicting classifications of pathogenicity. Review status: criteria provided, conflicting classifications (1 of 4 stars). 3 submissions from 3 submitters: Uncertain significance (2); Likely benign (1). Last evaluated 2023-09-08.

Conditions:
Hereditary breast ovarian cancer syndrome. Also called: Hereditary breast and ovarian cancer syndrome (HBOC); Hereditary breast and ovarian cancer syndrome; Breast and ovarian cancer; Hereditary breast and/or ovarian cancer syndrome; Hereditary breast and ovarian cancer; BRCA1- and BRCA2-Associated Hereditary Breast and Ovarian Cancer. Identifiers: Orphanet 145, MedGen C0677776, MeSH D061325, MONDO:0003582. Disease mechanism: loss of function.
Hereditary cancer-predisposing syndrome. Also called: Neoplastic Syndromes, Hereditary; Hereditary Cancer Syndrome; Hereditary neoplastic syndrome; Tumor predisposition. Identifiers: Orphanet 140162, MedGen C0027672, MeSH D009386, MONDO:0015356.

Allele frequency attached by ClinVar (database versions not stated): gnomAD exomes below 0.00001; ExAC 0.00001.
gnomAD v4.1: 2 of 1,612,054 alleles (0.00012%); highest among the groups gnomAD compares: East Asian, 0.0045%; no homozygotes.

Submissions (3):

Labcorp Genetics (formerly Invitae), Labcorp
Classification: Uncertain significance for Hereditary breast ovarian cancer syndrome. Last evaluated: 2023-09-08. Review status: criteria provided, single submitter. Criteria: Invitae Variant Classification Sherloc (09022015). Collection method: clinical testing. Allele origin: germline.
Comment: This variant is present in population databases (rs757213764, gnomAD 0.006%). In summary, the available evidence is currently insufficient to determine the role of this variant in disease. Therefore, it has been classified as a Variant of Uncertain Significance. Advanced modeling of protein sequence and biophysical properties (such as structural, functional, and spatial information, amino acid conservation, physicochemical variation, residue mobility, and thermodynamic stability) performed at Invitae indicates that this missense variant is not expected to disrupt BRCA2 protein function. ClinVar contains an entry for this variant (Variation ID: 462283). This variant has not been reported in the literature in individuals affected with BRCA2-related conditions. This sequence change replaces isoleucine, which is neutral and non-polar, with phenylalanine, which is neutral and non-polar, at codon 975 of the BRCA2 protein (p.Ile975Phe).

University of Washington Department of Laboratory Medicine, University of Washington
Classification: Likely benign for Hereditary cancer-predisposing syndrome. Last evaluated: 2023-03-23. Review status: criteria provided, single submitter. Criteria: Dines et al. (Genet Med. 2020). Collection method: curation. Allele origin: germline.
Comment: Missense variant in a coldspot region where missense variants are very unlikely to be pathogenic (PMID:31911673).

BRCA2 exon 11 coldspot. Reclassification based on statistical prior probability.

Ambry Genetics
Classification: Uncertain significance for Hereditary cancer-predisposing syndrome. Last evaluated: 2021-04-07. Review status: criteria provided, single submitter. Criteria: Ambry Variant Classification Scheme 2023. Collection method: clinical testing. Allele origin: germline.
Comment: The p.I975F variant (also known as c.2923A>T), located in coding exon 10 of the BRCA2 gene, results from an A to T substitution at nucleotide position 2923. The isoleucine at codon 975 is replaced by phenylalanine, an amino acid with highly similar properties. This amino acid position is poorly conserved in available vertebrate species. In addition, this alteration is predicted to be tolerated by in silico analysis. Since supporting evidence is limited at this time, the clinical significance of this alteration remains unclear.